The following is an entry in ClinVar:

ClinVar aggregate classification (germline): Uncertain significance. Review status: criteria provided, single submitter (1 of 4 stars). 2 submissions from 2 submitters: Uncertain significance (1). 1 of the submissions does not count toward it. Last evaluated 2021-12-22.

Conditions:
Lynch syndrome 4 (LYNCH4). Also called: Colorectal cancer, hereditary nonpolyposis, type 4; Hereditary non-polyposis colorectal cancer, type 4. Identifiers: Orphanet 144, MedGen C1838333, MONDO:0013699, OMIM 614337. Disease mechanism: loss of function.

Submissions (2):

MGZ Medical Genetics Center
Classification: Uncertain significance for Lynch syndrome 4. Last evaluated: 2021-12-22. Review status: criteria provided, single submitter. Criteria: ACMG Guidelines, 2015. Collection method: clinical testing. Allele origin: germline. Affected: yes. Observed: 2 variant alleles.
Comment: ACMG criteria applied: PM2_SUP, PP3

Center for Human Genetics and Genomic Medicine, Uniklinik Rwth Aachen
Classification: Likely pathogenic for Lynch syndrome 4. Review status: no assertion criteria provided. Collection method: clinical testing. Allele origin: germline. Inheritance: Autosomal dominant inheritance. Affected: yes. Observed: 1 heterozygote, 1 homozygote. Not counted in ClinVar's aggregate classification.
Comment: The detected alteration is not reported in the dbSNP database (dbSNP151) yet. It is not yet listed in gnomAD (as of 09/14/2023). The variant affects a Cartegni consensus splice site. Splicing prediction programs predict an impact on splicing behavior for the variant (Splice Site Finder Like (SSF): -14.5% and MaxEntScan (MES): -59.2%). In the ClinVar database, the variant has been previously reported once (in the context of HNPCC) and is classified as a "variant of unclear clinical significance" (ClinVar ID: 1707370). To our knowledge, the variant has not been previously reported in the literature in association with CMMRD Based on current knowledge, the variant should be classified as a "likely pathogenic variant" based on the ACMG criteria. (14.09.2023)

NM_000535.7(PMS2):c.163+5G>C

Gene: PMS2 (PMS1 homolog 2, mismatch repair system component; minus strand). Cytogenetic location: 7p22.1.
Variant type: single nucleotide variant.
Coding change: c.163+5G>C on transcript NM_000535.7 (MANE Select); 5 bases into the intron after coding-DNA position 163, G replaced by C.
Molecular consequence: intron variant.
Genome position (GRCh38, 1-based): chr7:6,005,887, C>G on the plus strand (G>C on the coding strand, the complement: PMS2 is on the minus strand). VCF-style: chr7-6005887-C-G. GRCh37 (hg19) VCF-style: chr7-6045518-C-G.
Other names: c.-52-1829G>C (NM_001322008.2); c.-242-1829G>C (NM_001322010.2, NM_001322004.2); c.-243+5G>C (NM_001322013.2, NM_001322003.2, NM_001322009.2 and 1 more transcripts); c.-722+5G>C (NM_001322012.2, NM_001322011.2); c.-322+5G>C (NM_001322015.2); c.-53+5G>C (NM_001322007.2); c.163+5G>C (NM_001322006.2, NM_001322014.2).
Identifiers: ClinVar variation 1709016 (VCV001709016.3), dbSNP rs2128843551, ClinGen allele CA2580077203.